The following is an entry in ClinVar:

ClinVar aggregate classification (germline): Benign/Likely benign. Review status: criteria provided, multiple submitters, no conflicts (2 of 4 stars). 11 submissions from 11 submitters: Benign (4); Likely benign (4). 3 of the submissions do not count toward it. Last evaluated 2026-01-20.

Conditions:
VCL-related disorder. Also called: VCL-related condition.
Cardiovascular phenotype. Identifiers: MedGen CN230736.
Cardiomyopathy (CMYO). Also called: Cardiomyopathies. Identifiers: Orphanet 167848, MedGen C0878544, MONDO:0004994, HP:0001638. Inheritance: Various modes of inheritance.
Dilated cardiomyopathy 1W (CMD1W). Identifiers: Orphanet 154, MedGen C1969639, MONDO:0012667, OMIM 611407.

Allele frequency attached by ClinVar (database versions not stated): ESP Exome Variant Server 0.00008; gnomAD 0.00008 and 0.00019; TOPMed 0.00015; 1000 Genomes Project 30x 0.00031; gnomAD exomes 0.00034 and 0.00054; 1000 Genomes Project 0.00040; ExAC 0.00063.
gnomAD v4.1: 524 of 1,614,168 alleles (0.032%); highest among the groups gnomAD compares: South Asian, 0.37%; 4 homozygotes.

Submissions (11):

Labcorp Genetics (formerly Invitae), Labcorp
Classification: Benign for Dilated cardiomyopathy 1W. Last evaluated: 2026-01-20. Review status: criteria provided, single submitter. Criteria: Invitae Variant Classification Sherloc (09022015). Collection method: clinical testing. Allele origin: germline.

Molecular Diagnostic Laboratory for Inherited Cardiovascular Disease, Montreal Heart Institute
Classification: Likely benign. Last evaluated: 2025-07-24. Review status: criteria provided, single submitter. Criteria: ACMG Guidelines, 2015. Collection method: clinical testing. Allele origin: germline. Affected: no.
Comment: BS1;BP7

ARUP Laboratories, Molecular Genetics and Genomics, ARUP Laboratories
Classification: Benign. Last evaluated: 2025-01-26. Review status: criteria provided, single submitter. Criteria: ARUP Molecular Germline Variant Investigation Process 2024. Collection method: clinical testing. Allele origin: germline.

Blueprint Genetics
Classification: Likely benign. Last evaluated: 2024-09-19. Review status: criteria provided, single submitter. Criteria: ACMG Guidelines, 2015. Collection method: clinical testing. Allele origin: germline.

CHEO Genetics Diagnostic Laboratory, Children's Hospital of Eastern Ontario
Classification: Benign for Cardiomyopathy. Last evaluated: 2018-07-30. Review status: criteria provided, single submitter. Criteria: ACMG Guidelines, 2015. Collection method: clinical testing. Allele origin: germline.

Ambry Genetics
Classification: Likely benign for Cardiovascular phenotype. Last evaluated: 2015-07-15. Review status: criteria provided, single submitter. Criteria: Ambry Variant Classification Scheme 2023. Collection method: clinical testing. Allele origin: germline.

GeneDx
Classification: Benign. Last evaluated: 2014-01-03. Review status: criteria provided, single submitter. Criteria: GeneDx Variant Classification (06012015). Collection method: clinical testing. Allele origin: germline. Affected: yes.
Comment: This variant is considered likely benign or benign based on one or more of the following criteria: it is a conservative change, it occurs at a poorly conserved position in the protein, it is predicted to be benign by multiple in silico algorithms, and/or has population frequency not consistent with disease.

Laboratory for Molecular Medicine, Mass General Brigham Personalized Medicine
Classification: Likely benign. Last evaluated: 2012-03-19. Review status: criteria provided, single submitter. Criteria: LMM Criteria. Collection method: clinical testing. Allele origin: germline. Observed: 1 variant allele.
Comment: p.Ala1111Ala in Exon 22 of VCL: This variant is not expected to have clinical si gnificance because it does not alter an amino acid residue and is not located wi thin the splice consensus sequence. It has been identified in 1/7020 European Am erican chromosomes by the NHLBI Exome Sequencing Project (dbSNP rs147415627).

PreventionGenetics, part of Exact Sciences
Classification: Likely benign for VCL-related condition. Last evaluated: 2019-05-06. Review status: no assertion criteria provided. Collection method: clinical testing. Allele origin: germline. Not counted in ClinVar's aggregate classification.
Comment: This variant is classified as likely benign based on ACMG/AMP sequence variant interpretation guidelines (Richards et al. 2015 PMID: 25741868, with internal and published modifications).

Clinical Genetics, Academic Medical Center
Classification: Benign. Review status: no assertion criteria provided. Collection method: clinical testing. Allele origin: germline. Affected: yes. Study: VKGL Data-share Consensus. Not counted in ClinVar's aggregate classification.

Joint Genome Diagnostic Labs from Nijmegen and Maastricht, Radboudumc and MUMC+
Classification: Benign. Review status: no assertion criteria provided. Collection method: clinical testing. Allele origin: germline. Affected: yes. Study: VKGL Data-share Consensus. Not counted in ClinVar's aggregate classification.

NM_014000.3(VCL):c.3333T>C (p.Ala1111=)

Gene: VCL (vinculin; plus strand). Cytogenetic location: 10q22.2.
Variant type: single nucleotide variant.
Coding change: c.3333T>C on transcript NM_014000.3 (MANE Select); coding-DNA position 3333, T replaced by C.
Protein change: p.Ala1111=; no amino-acid change (alanine 1111 retained).
Molecular consequence: synonymous variant.
Genome position (GRCh38, 1-based): chr10:74,118,097, T>C. VCF-style: chr10-74118097-T-C. GRCh37 (hg19) VCF-style: chr10-75877855-T-C.
Other names: p.A1111A:GCT>GCC; c.3129T>C, p.Ala1043= (NM_003373.4).
Identifiers: ClinVar variation 137901 (VCV000137901.40), dbSNP rs147415627, ClinGen allele CA333106.